The following is an entry in ClinVar:

NM_007294.4(BRCA1):c.2216_2217del (p.Lys739fs)

Gene: BRCA1 (BRCA1 DNA repair associated; minus strand). Cytogenetic location: 17q21.31.
Variant type: Deletion.
Coding change: c.2216_2217del on transcript NM_007294.4 (MANE Select); coding-DNA positions 2216 to 2217, 2 bases deleted (AA; older notation c.2216_2217delAA).
Protein change: p.Lys739fs; shifts the reading frame from lysine 739.
Molecular consequence: frameshift variant. On other transcripts: intron variant (137).
Genome position (GRCh38, 1-based): chr17:43,093,314-43,093,315, TT deleted on the plus strand (AA on the coding strand, the reverse complement: BRCA1 is on the minus strand); deleting any 2 consecutive bases within chr17:43,093,314-43,093,316 gives the same sequence; the c. name uses the placement nearest the transcript's 3' end. VCF-style (leftmost placement, unchanged base first): chr17-43093313-CTT-C. GRCh37 (hg19) VCF-style: chr17-41245330-CTT-C.
Other names: 2335delAA; c.2216_2217delAA (NM_007294.3); c.577+1429_577+1430del (NM_001408514.1, NM_001408485.1, NM_001408483.1 and 9 more transcripts); c.661+1429_661+1430del (NM_001408447.1, NM_001408433.1, NM_001408446.1 and 6 more transcripts); c.784+1429_784+1430del (NM_001408400.1, NM_001408392.1, NM_001407986.1 and 13 more transcripts); c.664+1429_664+1430del (NM_001408441.1, NM_001408437.1, NM_001408429.1 and 12 more transcripts); c.787+1429_787+1430del (NM_001407979.1, NM_001407977.1, NM_001407982.1 and 17 more transcripts); c.646+1429_646+1430del (NM_001408410.1, NM_001408458.1, NM_001408469.1 and 11 more transcripts); and 43 more; short protein forms K692fs, K739fs, K650fs, K668fs, K672fs, K698fs, K443fs, K628fs.
Identifiers: ClinVar variation 54504 (VCV000054504.30), dbSNP rs80357802, ClinGen allele CA001485.

ClinVar aggregate classification (germline): Pathogenic. Review status: reviewed by expert panel (3 of 4 stars). 10 submissions from 9 submitters: Pathogenic (1). 9 of the submissions do not count toward it. Last evaluated 2016-09-08.

Conditions:
Hereditary cancer-predisposing syndrome. Also called: Tumor predisposition; Neoplastic Syndromes, Hereditary; Hereditary Cancer Syndrome; Hereditary neoplastic syndrome. Identifiers: Orphanet 140162, MedGen C0027672, MeSH D009386, MONDO:0015356.
Hereditary breast ovarian cancer syndrome. Also called: Hereditary breast and ovarian cancer syndrome (HBOC); Hereditary breast and ovarian cancer syndrome; Hereditary breast and ovarian cancer; Hereditary breast and/or ovarian cancer syndrome; Breast and ovarian cancer; BRCA1- and BRCA2-Associated Hereditary Breast and Ovarian Cancer. Identifiers: Orphanet 145, MedGen C0677776, MeSH D061325, MONDO:0003582. Disease mechanism: loss of function.
Breast-ovarian cancer, familial, susceptibility to, 1 (BROVCA1). Also called: OVARIAN CANCER, SUSCEPTIBILITY TO; BRCA1 Hereditary Breast and Ovarian Cancer. Identifiers: Orphanet 145, MedGen C2676676, MONDO:0011450, OMIM 604370. Disease mechanism: loss of function.
Familial cancer of breast. Also called: Hereditary breast cancer; hereditary breast carcinoma; BREAST CANCER, FAMILIAL. Identifiers: Orphanet 227535, MedGen C0346153, MONDO:0016419, OMIM 114480. Disease mechanism: loss of function.

Submissions (10):

Evidence-based Network for the Interpretation of Germline Mutant Alleles (ENIGMA)
Classification: Pathogenic for Breast-ovarian cancer, familial, susceptibility to, 1. Last evaluated: 2016-09-08. Review status: reviewed by expert panel. Criteria: ENIGMA BRCA1/2 Classification Criteria (2015). Collection method: curation. Allele origin: germline.
Comment: Variant allele predicted to encode a truncated non-functional protein.

Labcorp Genetics (formerly Invitae), Labcorp
Classification: Pathogenic for Hereditary breast ovarian cancer syndrome. Last evaluated: 2025-08-26. Review status: criteria provided, single submitter. Criteria: Invitae Variant Classification Sherloc (09022015). Collection method: clinical testing. Allele origin: germline. Not counted in ClinVar's aggregate classification.
Comment: This sequence change creates a premature translational stop signal (p.Lys739Serfs*3) in the BRCA1 gene. It is expected to result in an absent or disrupted protein product. Loss-of-function variants in BRCA1 are known to be pathogenic (PMID: 20104584). This variant is not present in population databases (gnomAD no frequency). This premature translational stop signal has been observed in individual(s) with breast and/or ovarian cancer (PMID: 12100744, 27062684, 28176296). This variant is also known as c.2335_2336delAA. ClinVar contains an entry for this variant (Variation ID: 54504). For these reasons, this variant has been classified as Pathogenic.

Ambry Genetics
Classification: Pathogenic for Hereditary cancer-predisposing syndrome. Last evaluated: 2024-09-29. Review status: criteria provided, single submitter. Criteria: Ambry Variant Classification Scheme 2023. Collection method: clinical testing. Allele origin: germline. Not counted in ClinVar's aggregate classification.
Comment: The c.2216_2217delAA pathogenic mutation, located in coding exon 9 of the BRCA1 gene, results from a deletion of two nucleotides at nucleotide positions 2216 to 2217, causing a translational frameshift with a predicted alternate stop codon (p.K739Sfs*3). This mutation has been reported in several unrelated individuals from diverse populations with early onset breast or ovarian cancer (Yassaee VR et al. Breast Cancer Res., 2002 Apr;4(4):R6; Azzollini J et al. Eur J Intern Med 2016 Jul;32:65-71; Shi T et al. Int J Cancer 2017 05;140(9):2051-2059). This variant is considered to be rare based on population cohorts in the Genome Aggregation Database (gnomAD). In addition, this alteration is expected to result in loss of function by premature protein truncation or nonsense-mediated mRNA decay. As such, this alteration is interpreted as a disease-causing mutation.

GeneDx
Classification: Pathogenic. Last evaluated: 2021-06-23. Review status: criteria provided, single submitter. Criteria: GeneDx Variant Classification Process June 2021. Collection method: clinical testing. Allele origin: germline. Affected: yes. Not counted in ClinVar's aggregate classification.
Comment: Frameshift variant predicted to result in protein truncation or nonsense mediated decay in a gene for which loss-of-function is a known mechanism of disease; Not observed at significant frequency in large population cohorts (Lek 2016); Truncating variants in this gene are considered pathogenic by a well-established clinical consortium and/or database; Also known as 2335_2336delAA; Observed in individuals with BRCA1-related cancers (Yassaee 2002, Azzollini 2016, Shi 2017); This variant is associated with the following publications: (PMID: 12100744, 12442265, 27062684, 27165220, 26187060, 27535533, 30702160, 28176296, 31825140)

Color Diagnostics, LLC DBA Color Health
Classification: Pathogenic for Hereditary cancer-predisposing syndrome. Last evaluated: 2020-01-15. Review status: criteria provided, single submitter. Criteria: ACMG Guidelines, 2015. Collection method: clinical testing. Allele origin: germline. Not counted in ClinVar's aggregate classification.
Comment: This variant deletes 2 nucleotides in exon 10 of the BRCA1 gene, creating a frameshift and premature translation stop signal. This variant is expected to result in an absent or non-functional protein product. This variant has not been identified in the general population by the Genome Aggregation Database (gnomAD). Loss of BRCA1 function is a known mechanism of disease. Based on the available evidence, this variant is classified as Pathogenic.

Quest Diagnostics Nichols Institute San Juan Capistrano
Classification: Pathogenic. Last evaluated: 2018-01-29. Review status: criteria provided, single submitter. Criteria: Quest Diagnostics criteria. Collection method: clinical testing. Allele origin: germline. Not counted in ClinVar's aggregate classification.

Genomic Research Center, Shahid Beheshti University of Medical Sciences
Classification: Pathogenic for Breast-ovarian cancer, familial, susceptibility to, 1. Last evaluated: 2017-12-03. Review status: criteria provided, single submitter. Criteria: ACMG Guidelines, 2015. Collection method: clinical testing. Allele origin: inherited. Affected: yes. Not counted in ClinVar's aggregate classification.

Consortium of Investigators of Modifiers of BRCA1/2 (CIMBA), c/o University of Cambridge
Classification: Pathogenic for Breast-ovarian cancer, familial, susceptibility to, 1. Last evaluated: 2015-10-02. Review status: criteria provided, single submitter. Criteria: CIMBA Mutation Classification guidelines May 2016. Collection method: clinical testing. Allele origin: germline. Not counted in ClinVar's aggregate classification.

Sharing Clinical Reports Project (SCRP)
Classification: Pathogenic for Breast-ovarian cancer, familial 1. Last evaluated: 2009-03-30. Review status: no assertion criteria provided. Collection method: clinical testing. Allele origin: germline. Not counted in ClinVar's aggregate classification.

Genomic Research Center, Shahid Beheshti University of Medical Sciences
No classification provided. Condition: Familial cancer of breast. Review status: no classification provided. Collection method: not provided. Allele origin: somatic. Not counted in ClinVar's aggregate classification.
ClinVar note: Converted during submission from untested to not provided.

Literature cited by the submitters: PubMed 20104584 (cited by Labcorp Genetics (formerly Invitae), Labcorp); PubMed 12100744 (cited by Labcorp Genetics (formerly Invitae), Labcorp and Ambry Genetics); PubMed 27062684 (cited by Labcorp Genetics (formerly Invitae), Labcorp and Ambry Genetics); PubMed 28176296 (cited by Labcorp Genetics (formerly Invitae), Labcorp and Ambry Genetics).